The following is an entry in ClinVar:

NM_000102.4(CYP17A1):c.660G>A (p.Trp220Ter)

Gene: CYP17A1 (cytochrome P450 family 17 subfamily A member 1; minus strand). Cytogenetic location: 10q24.32.
Variant type: single nucleotide variant.
Coding change: c.660G>A on transcript NM_000102.4 (MANE Select); coding-DNA position 660, G replaced by A.
Protein change: p.Trp220Ter; replaces tryptophan 220 with a stop codon.
Molecular consequence: nonsense.
Genome position (GRCh38, 1-based): chr10:102,834,791, C>T on the plus strand (G>A on the coding strand, the complement: CYP17A1 is on the minus strand). VCF-style: chr10-102834791-C-T. GRCh37 (hg19) VCF-style: chr10-104594548-C-T.
Other names: short protein forms W220*.
Identifiers: ClinVar variation 960455 (VCV000960455.12), dbSNP rs879802265, ClinGen allele CA212293774.

ClinVar aggregate classification (germline): Pathogenic/Likely pathogenic. Review status: criteria provided, multiple submitters, no conflicts (2 of 4 stars). 4 submissions from 4 submitters: Pathogenic (1); Likely pathogenic (2). 1 of the submissions does not count toward it. Last evaluated 2025-12-15.

Conditions:
CYP17A1-related disorder. Also called: CYP17A1-related condition.
Deficiency of steroid 17-alpha-monooxygenase. Also called: Congenital adrenal hyperplasia due to 17-alpha-hydroxylase deficiency; Congenital adrenal hyperplasia type 5; ADRENAL HYPERPLASIA V; 17-ALPHA-HYDROXYLASE DEFICIENCY; 17-alpha-hydroxylase/17,20-lyase deficiency. Identifiers: Orphanet 90793, MedGen C0268285, MONDO:0008730, OMIM 202110.

Allele frequency attached by ClinVar (database versions not stated): gnomAD exomes below 0.00001 and 0.00001; TOPMed 0.00002; gnomAD 0.00003.

Submissions (4):

Natera, Inc.
Classification: Likely pathogenic for Deficiency of steroid 17-alpha-monooxygenase. Last evaluated: 2025-12-15. Review status: criteria provided, single submitter. Criteria: Natera Variant Classification Schema (03/2026). Collection method: clinical testing. Allele origin: germline.
Comment: The c.660G>A variant in CYP17A1 is a nonsense variant predicted to introduce a stop codon at amino acid 220. This variant is expected to result in nonsense mediated decay, truncation, or a dysfunctional protein product. This variant is rare in the general population with a frequency below the threshold expected for the associated phenotype(s). Given the available evidence, this variant is classified as Likely Pathogenic.

Labcorp Genetics (formerly Invitae), Labcorp
Classification: Pathogenic. Last evaluated: 2023-02-14. Review status: criteria provided, single submitter. Criteria: Invitae Variant Classification Sherloc (09022015). Collection method: clinical testing. Allele origin: germline.
Comment: For these reasons, this variant has been classified as Pathogenic. ClinVar contains an entry for this variant (Variation ID: 960455). This variant has not been reported in the literature in individuals affected with CYP17A1-related conditions. This variant is present in population databases (no rsID available, gnomAD 0.002%). This sequence change creates a premature translational stop signal (p.Trp220*) in the CYP17A1 gene. It is expected to result in an absent or disrupted protein product. Loss-of-function variants in CYP17A1 are known to be pathogenic (PMID: 10720067, 14747197, 17192295, 20197673, 24140098).

Fulgent Genetics
Classification: Likely pathogenic for Deficiency of steroid 17-alpha-monooxygenase. Last evaluated: 2022-05-19. Review status: criteria provided, single submitter. Criteria: ACMG Guidelines, 2015. Collection method: clinical testing. Allele origin: unknown.

PreventionGenetics, part of Exact Sciences
Classification: Likely pathogenic for CYP17A1-related condition. Last evaluated: 2024-04-07. Review status: no assertion criteria provided. Collection method: clinical testing. Allele origin: germline. Not counted in ClinVar's aggregate classification.
Comment: The CYP17A1 c.660G>A variant is predicted to result in premature protein termination (p.Trp220*). To our knowledge, this variant has not been reported in the literature. This variant is reported in 0.0018% of alleles in individuals of European (Non-Finnish) descent in gnomAD. Nonsense variants in CYP17A1 are expected to be pathogenic. This variant is interpreted as likely pathogenic.

Literature cited by the submitters: PubMed 10720067 (cited by Labcorp Genetics (formerly Invitae), Labcorp); PubMed 14747197 (cited by Labcorp Genetics (formerly Invitae), Labcorp); PubMed 17192295 (cited by Labcorp Genetics (formerly Invitae), Labcorp); PubMed 20197673 (cited by Labcorp Genetics (formerly Invitae), Labcorp); PubMed 24140098 (cited by Labcorp Genetics (formerly Invitae), Labcorp).